The following is an entry in ClinVar:

ClinVar aggregate classification (germline): Uncertain significance. Review status: criteria provided, multiple submitters, no conflicts (2 of 4 stars). 3 submissions from 3 submitters: Uncertain significance (3). Last evaluated 2024-12-23.

Conditions:
Hereditary cancer-predisposing syndrome. Also called: Tumor predisposition; Neoplastic Syndromes, Hereditary; Hereditary Cancer Syndrome; Hereditary neoplastic syndrome. Identifiers: Orphanet 140162, MedGen C0027672, MeSH D009386, MONDO:0015356.
Hereditary diffuse gastric adenocarcinoma (HDGC). Also called: DIFFUSE GASTRIC AND LOBULAR BREAST CANCER SYNDROME. Identifiers: Orphanet 26106, MedGen C1708349, MONDO:0007648, OMIM 137215.

Allele frequency attached by ClinVar (database versions not stated): gnomAD exomes below 0.00001.
gnomAD v4.1: 1 of 1,614,082 alleles (0.000062%); highest among the groups gnomAD compares: South Asian, 0.0011%; no homozygotes.

Submissions (3):

Labcorp Genetics (formerly Invitae), Labcorp
Classification: Uncertain significance for Hereditary diffuse gastric adenocarcinoma. Last evaluated: 2024-12-23. Review status: criteria provided, single submitter. Criteria: Invitae Variant Classification Sherloc (09022015). Collection method: clinical testing. Allele origin: germline.
Comment: This sequence change replaces aspartic acid, which is acidic and polar, with glycine, which is neutral and non-polar, at codon 746 of the CDH1 protein (p.Asp746Gly). This variant is present in population databases (no rsID available, gnomAD 0.003%). This missense change has been observed in individual(s) with breast and/or ovarian cancer (PMID: 29470806). ClinVar contains an entry for this variant (Variation ID: 479507). An algorithm developed to predict the effect of missense changes on protein structure and function (PolyPhen-2) suggests that this variant is likely to be disruptive. In summary, the available evidence is currently insufficient to determine the role of this variant in disease. Therefore, it has been classified as a Variant of Uncertain Significance.

Ambry Genetics
Classification: Uncertain significance for Hereditary cancer-predisposing syndrome. Last evaluated: 2024-02-14. Review status: criteria provided, single submitter. Criteria: Ambry Variant Classification Scheme 2023. Collection method: clinical testing. Allele origin: germline.
Comment: The p.D746G variant (also known as c.2237A>G), located in coding exon 14 of the CDH1 gene, results from an A to G substitution at nucleotide position 2237. The aspartic acid at codon 746 is replaced by glycine, an amino acid with similar properties. This variant was observed in a study of 1010 unrelated Indian patients with breast and/or ovarian cancer (Singh J et al. Breast Cancer Res Treat, 2018 Jul;170:189-196). This amino acid position is well conserved in available vertebrate species. In addition, this alteration is predicted to be deleterious by in silico analysis. Based on the available evidence, the clinical significance of this alteration remains unclear.

Color Diagnostics, LLC DBA Color Health
Classification: Uncertain significance for Hereditary cancer-predisposing syndrome. Last evaluated: 2018-10-19. Review status: criteria provided, single submitter. Criteria: ACMG Guidelines, 2015. Collection method: clinical testing. Allele origin: germline.

Literature cited by the submitters: PubMed 29470806 (cited by Labcorp Genetics (formerly Invitae), Labcorp and Ambry Genetics).

NM_004360.5(CDH1):c.2237A>G (p.Asp746Gly)

Gene: CDH1 (cadherin 1; plus strand). Cytogenetic location: 16q22.1.
Variant type: single nucleotide variant.
Coding change: c.2237A>G on transcript NM_004360.5 (MANE Select); coding-DNA position 2237, A replaced by G.
Protein change: p.Asp746Gly; replaces aspartic acid 746 with glycine.
Molecular consequence: missense variant.
Genome position (GRCh38, 1-based): chr16:68,828,246, A>G. VCF-style: chr16-68828246-A-G. GRCh37 (hg19) VCF-style: chr16-68862149-A-G.
Other names: c.2237A>G (LRG_301t1); c.2054A>G, p.Asp685Gly (NM_001317184.2); c.689A>G, p.Asp230Gly (NM_001317185.2); c.272A>G, p.Asp91Gly (NM_001317186.2); short protein forms D746G, D685G, D230G, D91G.
Identifiers: ClinVar variation 479507 (VCV000479507.13), dbSNP rs1408841952, ClinGen allele CA396469762.